The following is an entry in ClinVar:

ClinVar aggregate classification (germline): Uncertain significance (1 of 4 stars; one submission).

Conditions:
Carnitine palmitoyltransferase II deficiency. Also called: Carnitine Palmitoyltransferase 2 Deficiency. Identifiers: Orphanet 157, MedGen C0342790, MONDO:0015515.

Submission:

Labcorp Genetics (formerly Invitae), Labcorp
Classification: Uncertain significance for Carnitine palmitoyltransferase II deficiency. Last evaluated: 2021-09-24. Review status: criteria provided, single submitter. Criteria: Invitae Variant Classification Sherloc (09022015). Collection method: clinical testing. Allele origin: germline.
Comment: This sequence change replaces glutamic acid with glycine at codon 572 of the CPT2 protein (p.Glu572Gly). The glutamic acid residue is moderately conserved and there is a moderate physicochemical difference between glutamic acid and glycine. This variant is not present in population databases (ExAC no frequency). This variant has not been reported in the literature in individuals with CPT2-related conditions. Advanced modeling of protein sequence and biophysical properties (such as structural, functional, and spatial information, amino acid conservation, physicochemical variation, residue mobility, and thermodynamic stability) performed at Invitae indicates that this missense variant is not expected to disrupt CPT2 protein function. In summary, the available evidence is currently insufficient to determine the role of this variant in disease. Therefore, it has been classified as a Variant of Uncertain Significance.

NM_000098.3(CPT2):c.1715A>G (p.Glu572Gly)

Gene: CPT2 (carnitine palmitoyltransferase 2; plus strand). Cytogenetic location: 1p32.3.
Variant type: single nucleotide variant.
Coding change: c.1715A>G on transcript NM_000098.3 (MANE Select); coding-DNA position 1715, A replaced by G.
Protein change: p.Glu572Gly; replaces glutamic acid 572 with glycine.
Molecular consequence: missense variant.
Genome position (GRCh38, 1-based): chr1:53,213,333, A>G. VCF-style: chr1-53213333-A-G. GRCh37 (hg19) VCF-style: chr1-53679005-A-G.
Other names: c.1646A>G, p.Glu549Gly (NM_001330589.2); short protein forms E549G, E572G.
Identifiers: ClinVar variation 1477465 (VCV001477465.5), dbSNP rs1183489679, ClinGen allele CA340397500.